The following is an entry in ClinVar:

NM_000996.4(RPL35A):c.41A>G (p.Tyr14Cys)

Genes: DRC9 (dynein regulatory complex subunit 9; minus strand), RPL35A (ribosomal protein L35a; plus strand). Cytogenetic location: 3q29.
Variant type: single nucleotide variant.
Coding change: c.41A>G on transcript NM_000996.4 (MANE Select); coding-DNA position 41, A replaced by G.
Protein change: p.Tyr14Cys; replaces tyrosine 14 with cysteine.
Molecular consequence: missense variant. On other transcripts: intron variant (3).
Genome position (GRCh38, 1-based): chr3:197,951,188, A>G. VCF-style: chr3-197951188-A-G. GRCh37 (hg19) VCF-style: chr3-197678059-A-G.
Other names: NC_000003.11:g.197678059A>G; c.41A>G, p.Tyr14Cys (NM_001316311.2); c.-49-7137T>C (NM_001323028.2); c.-59-5502T>C (NM_032263.5); c.-374-5502T>C (NM_001323029.2); short protein forms Y14C.
Identifiers: ClinVar variation 3362486 (VCV003362486.3).

ClinVar aggregate classification (germline): Uncertain significance. Review status: criteria provided, multiple submitters, no conflicts (2 of 4 stars). 2 submissions from 2 submitters: Uncertain significance (2). Last evaluated 2025-06-15.

Conditions:
Diamond-Blackfan anemia 5 (DBA5). Also called: RPL35A-Related Diamond-Blackfan Anemia. Identifiers: Orphanet 124, MedGen C2675859, MONDO:0012925, OMIM 612528.

gnomAD v4.1: 11 of 1,614,194 alleles (0.00068%); highest among the groups gnomAD compares: East Asian, 0.0067%; no homozygotes.

Submissions (3):

Labcorp Genetics (formerly Invitae), Labcorp
Classification: Uncertain significance for Diamond-Blackfan anemia 5. Last evaluated: 2025-06-15. Review status: criteria provided, single submitter. Criteria: Invitae Variant Classification Sherloc (09022015). Collection method: clinical testing. Allele origin: germline.
Comment: This sequence change replaces tyrosine, which is neutral and polar, with cysteine, which is neutral and slightly polar, at codon 14 of the RPL35A protein (p.Tyr14Cys). This variant is present in population databases (no rsID available, gnomAD 0.01%). This variant has not been reported in the literature in individuals affected with RPL35A-related conditions. ClinVar contains an entry for this variant (Variation ID: 3362486). An algorithm developed to predict the effect of missense changes on protein structure and function (PolyPhen-2) suggests that this variant is likely to be disruptive. In summary, the available evidence is currently insufficient to determine the role of this variant in disease. Therefore, it has been classified as a Variant of Uncertain Significance.

Genomic Medicine Center of Excellence, King Faisal Specialist Hospital and Research Centre
Classification: Uncertain significance for Diamond-Blackfan anemia 5. Last evaluated: 2024-09-22. Review status: criteria provided, single submitter. Criteria: ACMG Guidelines, 2015. Collection method: clinical testing. Allele origin: germline.

Dr. Peter K. Rogan Lab, Western University
No classification provided (evidence only). Condition: Sarcoma. Review status: no classification provided. Collection method: in vitro. Allele origin: not applicable. Functional consequence: retained intron. Not counted in ClinVar's aggregate classification.